The following is an entry in ClinVar:

NM_001364905.1(LRBA):c.4025T>C (p.Met1342Thr)

Gene: LRBA (LPS responsive beige-like anchor protein; minus strand). Cytogenetic location: 4q31.3.
Variant type: single nucleotide variant.
Coding change: c.4025T>C on transcript NM_001364905.1 (MANE Select); coding-DNA position 4025, T replaced by C.
Protein change: p.Met1342Thr; replaces methionine 1342 with threonine.
Molecular consequence: missense variant.
Genome position (GRCh38, 1-based): chr4:150,849,555, A>G on the plus strand (T>C on the coding strand, the complement: LRBA is on the minus strand). VCF-style: chr4-150849555-A-G. GRCh37 (hg19) VCF-style: chr4-151770707-A-G.
Other names: c.4025T>C, p.Met1342Thr (NM_001199282.3, NM_001367550.1, NM_006726.5); short protein forms M1342T.
Identifiers: ClinVar variation 3627668 (VCV003627668.2).

ClinVar aggregate classification (germline): Uncertain significance (1 of 4 stars; one submission).

Conditions:
Combined immunodeficiency due to LRBA deficiency. Also called: Common variable immunodeficiency 8, with autoimmunity. Identifiers: Orphanet 445018, MedGen C3553512, MONDO:0013863, OMIM 614700.

Submission:

Labcorp Genetics (formerly Invitae), Labcorp
Classification: Uncertain significance for Combined immunodeficiency due to LRBA deficiency. Last evaluated: 2025-01-12. Review status: criteria provided, single submitter. Criteria: Invitae Variant Classification Sherloc (09022015). Collection method: clinical testing. Allele origin: germline.
Comment: This sequence change replaces methionine, which is neutral and non-polar, with threonine, which is neutral and polar, at codon 1342 of the LRBA protein (p.Met1342Thr). This variant is present in population databases (no rsID available, gnomAD 0.006%). This variant has not been reported in the literature in individuals affected with LRBA-related conditions. Invitae Evidence Modeling of protein sequence and biophysical properties (such as structural, functional, and spatial information, amino acid conservation, physicochemical variation, residue mobility, and thermodynamic stability) indicates that this missense variant is expected to disrupt LRBA protein function with a positive predictive value of 80%. In summary, the available evidence is currently insufficient to determine the role of this variant in disease. Therefore, it has been classified as a Variant of Uncertain Significance.